The following is an entry in ClinVar:

NC_000014.8:g.(?_77893959)_(78082922_?)del

Genes: AHSA1 (activator of HSP90 ATPase activity 1; plus strand), ISM2 (isthmin 2; minus strand), SPTLC2 (serine palmitoyltransferase long chain base subunit 2; minus strand), VIPAS39 (VPS33B interacting protein, apical-basolateral polarity regulator, spe-39 homolog; minus strand). Cytogenetic location: 14q24.3.
Variant type: Deletion.
Identifiers: ClinVar variation 2426709 (VCV002426709.4).

ClinVar aggregate classification (germline): Pathogenic (1 of 4 stars; one submission).

Submission:

Labcorp Genetics (formerly Invitae), Labcorp
Classification: Pathogenic. Last evaluated: 2022-02-20. Review status: criteria provided, single submitter. Criteria: Invitae Variant Classification Sherloc (09022015). Collection method: clinical testing. Allele origin: germline.
Comment: For these reasons, this variant has been classified as Pathogenic. This variant has not been reported in the literature in individuals affected with VIPAS39-related conditions. A gross deletion of the genomic region encompassing the full coding sequence of the VIPAS39 gene has been identified. Loss-of-function variants in VIPAS39 are known to be pathogenic (PMID: 20190753, 22753090). The boundaries of this event are unknown as they extend beyond the assayed region for this gene and therefore may encompass additional genes.

Literature cited by the submitters: PubMed 20190753; PubMed 22753090.